The following is an entry in ClinVar:

ClinVar aggregate classification (germline): Uncertain significance. Review status: criteria provided, multiple submitters, no conflicts (2 of 4 stars). 2 submissions from 2 submitters: Uncertain significance (2). Last evaluated 2025-09-22.

Conditions:
CHARGE syndrome (CHARGE). Also called: Hittner Hirsch Kreh syndrome; CHARGE ASSOCIATION--COLOBOMA, HEART ANOMALY, CHOANAL ATRESIA, RETARDATION, GENITAL AND EAR ANOMALIES; Coloboma, heart anomaly, choanal atresia, retardation, genital and ear anomalies; CHARGE association; Hall-Hittner syndrome. Identifiers: Orphanet 138, MedGen C0265354, MONDO:0008965.
Inborn genetic diseases. Identifiers: MedGen C0950123, MeSH D030342.

Allele frequency attached by ClinVar (database versions not stated): gnomAD exomes below 0.00001.
gnomAD v4.1: 1 of 1,614,010 alleles (0.000062%); highest among the groups gnomAD compares: South Asian, 0.0011%; no homozygotes.

Submissions (2):

Labcorp Genetics (formerly Invitae), Labcorp
Classification: Uncertain significance for CHARGE syndrome. Last evaluated: 2025-09-22. Review status: criteria provided, single submitter. Criteria: Invitae Variant Classification Sherloc (09022015). Collection method: clinical testing. Allele origin: germline.
Comment: This sequence change replaces alanine, which is neutral and non-polar, with threonine, which is neutral and polar, at codon 1304 of the CHD7 protein (p.Ala1304Thr). This variant is present in population databases (no rsID available, gnomAD 0.0009%). This variant has not been reported in the literature in individuals affected with CHD7-related conditions. ClinVar contains an entry for this variant (Variation ID: 2264251). Invitae Evidence Modeling of protein sequence and biophysical properties (such as structural, functional, and spatial information, amino acid conservation, physicochemical variation, residue mobility, and thermodynamic stability) indicates that this missense variant is expected to disrupt CHD7 protein function with a positive predictive value of 95%. In summary, the available evidence is currently insufficient to determine the role of this variant in disease. Therefore, it has been classified as a Variant of Uncertain Significance.

Ambry Genetics
Classification: Uncertain significance for Inborn genetic diseases. Last evaluated: 2021-12-03. Review status: criteria provided, single submitter. Criteria: Ambry Variant Classification Scheme 2023. Collection method: clinical testing. Allele origin: germline.

NM_017780.4(CHD7):c.3910G>A (p.Ala1304Thr)

Gene: CHD7 (chromodomain helicase DNA binding protein 7; plus strand). Cytogenetic location: 8q12.2.
Variant type: single nucleotide variant.
Coding change: c.3910G>A on transcript NM_017780.4 (MANE Select); coding-DNA position 3910, G replaced by A.
Protein change: p.Ala1304Thr; replaces alanine 1304 with threonine.
Molecular consequence: missense variant. On other transcripts: intron variant (1).
Genome position (GRCh38, 1-based): chr8:60,836,204, G>A. VCF-style: chr8-60836204-G-A. GRCh37 (hg19) VCF-style: chr8-61748763-G-A.
Other names: c.1717-26025G>A (NM_001316690.1); short protein forms A1304T.
Identifiers: ClinVar variation 2264251 (VCV002264251.3), dbSNP rs1313841155, ClinGen allele CA371316368.